The following is an entry in ClinVar:

ClinVar aggregate classification (germline): Uncertain significance (1 of 4 stars; one submission).

Conditions:
Inborn genetic diseases. Identifiers: MedGen C0950123, MeSH D030342.

Submission:

Ambry Genetics
Classification: Uncertain significance for Inborn genetic diseases. Last evaluated: 2024-08-14. Review status: criteria provided, single submitter. Criteria: Ambry Variant Classification Scheme 2023. Collection method: clinical testing. Allele origin: germline.
Comment: The c.72-26_72-23delTAAT alteration is located in Intron 2 (E) of the COL4A4 gene. This alteration consists of a deletion of 4 nucleotides at nucleotide position c.72-26 Intron 2 (E). Based on insufficient or conflicting evidence, the clinical significance of this alteration remains unclear.

Literature cited by the submitters: PubMed 33772369; PubMed 34508137.

NM_000092.5(COL4A4):c.72-26_72-23del

Gene: COL4A4 (collagen type IV alpha 4 chain; minus strand). Cytogenetic location: 2q36.3.
Variant type: Deletion.
Coding change: c.72-26_72-23del on transcript NM_000092.5 (MANE Select); 26 bases into the intron before coding-DNA position 72 through 23 bases into the intron before coding-DNA position 72, 4 bases deleted (TAAT; older notation c.72-26_72-23delTAAT).
Molecular consequence: intron variant.
Genome position (GRCh38, 1-based): chr2:227,144,581-227,144,584, ATTA deleted on the plus strand (TAAT on the coding strand, the reverse complement: COL4A4 is on the minus strand); deleting any 4 consecutive bases within chr2:227,144,581-227,144,587 gives the same sequence; the c. name uses the placement nearest the transcript's 3' end. VCF-style (leftmost placement, unchanged base first): chr2-227144580-GATTA-G. GRCh37 (hg19) VCF-style: chr2-228009296-GATTA-G.
Identifiers: ClinVar variation 3495508 (VCV003495508.1).